The following is an entry in ClinVar:

NM_001042492.3(NF1):c.1378A>G (p.Ile460Val)

Gene: NF1 (neurofibromin 1; plus strand). Cytogenetic location: 17q11.2.
Variant type: single nucleotide variant.
Coding change: c.1378A>G on transcript NM_001042492.3 (MANE Select); coding-DNA position 1378, A replaced by G.
Protein change: p.Ile460Val; replaces isoleucine 460 with valine.
Molecular consequence: missense variant.
Genome position (GRCh38, 1-based): chr17:31,206,357, A>G. VCF-style: chr17-31206357-A-G. GRCh37 (hg19) VCF-style: chr17-29533375-A-G.
Other names: c.1378A>G, p.Ile460Val (NM_000267.4, NM_001128147.3); short protein forms I460V.
Identifiers: ClinVar variation 1910328 (VCV001910328.5), dbSNP rs1263791591, ClinGen allele CA398999831.

ClinVar aggregate classification (germline): Uncertain significance (1 of 4 stars; one submission).

Conditions:
Neurofibromatosis, type 1 (NF1). Also called: Peripheral type neurofibromatosis; Neurofibromatosis, type I; VON RECKLINGHAUSEN DISEASE; NEUROFIBROMATOSIS, TYPE I, SOMATIC. Identifiers: Orphanet 636, MedGen C0027831, MONDO:0018975, OMIM 162200. Disease mechanism: loss of function.

Allele frequency attached by ClinVar (database versions not stated): gnomAD exomes below 0.00001.
gnomAD v4.1: 4 of 1,613,794 alleles (0.00025%); highest among the groups gnomAD compares: African/African-American, 0.0013%; no homozygotes.

Submission:

Labcorp Genetics (formerly Invitae), Labcorp
Classification: Uncertain significance for Neurofibromatosis, type 1. Last evaluated: 2022-06-26. Review status: criteria provided, single submitter. Criteria: Invitae Variant Classification Sherloc (09022015). Collection method: clinical testing. Allele origin: germline.
Comment: In summary, the available evidence is currently insufficient to determine the role of this variant in disease. Therefore, it has been classified as a Variant of Uncertain Significance. Algorithms developed to predict the effect of sequence changes on RNA splicing suggest that this variant may create or strengthen a splice site. Advanced modeling of protein sequence and biophysical properties (such as structural, functional, and spatial information, amino acid conservation, physicochemical variation, residue mobility, and thermodynamic stability) performed at Invitae indicates that this missense variant is not expected to disrupt NF1 protein function. This missense change has been observed in individual(s) with clinical features of NF1-related conditions (PMID: 21520333). This variant is present in population databases (no rsID available, gnomAD 0.0009%). This sequence change replaces isoleucine, which is neutral and non-polar, with valine, which is neutral and non-polar, at codon 460 of the NF1 protein (p.Ile460Val).

Literature cited by the submitters: PubMed 21520333.